The following is an entry in ClinVar:

ClinVar aggregate classification (germline): Likely benign (1 of 4 stars; one submission).

gnomAD v4.1: 8 of 1,612,360 alleles (0.0005%); highest among the groups gnomAD compares: Non-Finnish European, 0.00068%; no homozygotes.

Submission:

CeGaT Center for Human Genetics Tuebingen
Classification: Likely benign. Last evaluated: 2025-10-01. Review status: criteria provided, single submitter. Criteria: CeGaT Center For Human Genetics Tuebingen Variant Classification Criteria Version 2. Collection method: clinical testing. Allele origin: germline. Affected: yes. Observed: 1 variant allele.
Comment: SETD2: BP4, BP7

NM_014159.7(SETD2):c.6084A>G (p.Lys2028=)

Gene: SETD2 (SET domain containing 2, histone lysine methyltransferase; minus strand). Cytogenetic location: 3p21.31.
Variant type: single nucleotide variant.
Coding change: c.6084A>G on transcript NM_014159.7 (MANE Select); coding-DNA position 6084, A replaced by G.
Protein change: p.Lys2028=; no amino-acid change (lysine 2028 retained).
Molecular consequence: synonymous variant. On other transcripts: non-coding transcript variant (1).
Genome position (GRCh38, 1-based): chr3:47,067,095, T>C on the plus strand (A>G on the coding strand, the complement: SETD2 is on the minus strand). VCF-style: chr3-47067095-T-C. GRCh37 (hg19) VCF-style: chr3-47108585-T-C.
Other names: c.5952A>G, p.Lys1984= (NM_001349370.3).
Identifiers: ClinVar variation 4533986 (VCV004533986.6).